The following is an entry in ClinVar:

NM_001267550.2(TTN):c.74063G>A (p.Arg24688His)

Genes: TTN (titin; minus strand), TTN-AS1 (TTN antisense RNA 1; plus strand). Cytogenetic location: 2q31.2.
Variant type: single nucleotide variant.
Coding change: c.74063G>A on transcript NM_001267550.2 (MANE Select); coding-DNA position 74063, G replaced by A.
Protein change: p.Arg24688His; replaces arginine 24688 with histidine.
Molecular consequence: missense variant.
Genome position (GRCh38, 1-based): chr2:178,572,069, C>T on the plus strand (G>A on the coding strand, the complement: TTN is on the minus strand). VCF-style: chr2-178572069-C-T. GRCh37 (hg19) VCF-style: chr2-179436796-C-T.
Other names: c.69140G>A, p.Arg23047His (NM_001256850.1); c.46868G>A, p.Arg15623His (NM_003319.4); c.66359G>A, p.Arg22120His (NM_133378.4); c.47243G>A, p.Arg15748His (NM_133432.3); c.47444G>A, p.Arg15815His (NM_133437.4); c.74063G>A (LRG_391t1); short protein forms R15623H, R24688H, R15815H, R23047H, R15748H, R22120H.
Identifiers: ClinVar variation 518994 (VCV000518994.8), dbSNP rs376988498, ClinGen allele CA1990263.

ClinVar aggregate classification (germline): Uncertain significance. Review status: criteria provided, multiple submitters, no conflicts (2 of 4 stars). 4 submissions from 4 submitters: Uncertain significance (4). Last evaluated 2026-08-11.

Conditions:
TTN-related disorder. Also called: TTN-related condition; TTN-related disease; TTN-related disorders.
Cardiovascular phenotype. Identifiers: MedGen CN230736.
Myopathy, myofibrillar, 9, with early respiratory failure (MFM9). Also called: Hereditary myopathy with early respiratory failure; EDSTROM MYOPATHY; MYOPATHY, PROXIMAL, WITH EARLY RESPIRATORY MUSCLE INVOLVEMENT; Myopathy, distal, with early respiratory failure, autosomal dominant. Identifiers: Orphanet 178464, Orphanet 34521, MedGen C1863599, MONDO:0011362, OMIM 603689.
Autosomal recessive limb-girdle muscular dystrophy type 2J (LGMDR10). Also called: Limb-girdle muscular dystrophy, type 2J; MUSCULAR DYSTROPHY, LIMB-GIRDLE, AUTOSOMAL RECESSIVE 10. Identifiers: Orphanet 140922, MedGen C1837342, MONDO:0012127, OMIM 608807.
Dilated cardiomyopathy 1G (CMD1G). Identifiers: Orphanet 154, MedGen C1858763, MONDO:0011400, OMIM 604145.
Early-onset myopathy with fatal cardiomyopathy (CMYO5). Also called: Salih Myopathy; CONGENITAL MYOPATHY 5 WITH CARDIOMYOPATHY. Identifiers: Orphanet 289377, MedGen C2673677, MONDO:0012714, OMIM 611705. Disease mechanism: loss of function.
Tibial muscular dystrophy (TMD). Also called: Udd Distal Myopathy – Tibial Muscular Dystrophy; UDD MYOPATHY; Tibial muscular dystrophy, tardive. Identifiers: Orphanet 609, MedGen C1838244, MONDO:0010870, OMIM 600334.
Hypertrophic cardiomyopathy 9. Also called: Familial hypertrophic cardiomyopathy 9. Identifiers: MedGen C1861065, MONDO:0013412, OMIM 613765.

Allele frequency attached by ClinVar (database versions not stated): gnomAD 0.00001; TOPMed 0.00002; gnomAD exomes 0.00003; ExAC 0.00004; ESP Exome Variant Server 0.00008.
gnomAD v4.1: 45 of 1,613,076 alleles (0.0028%); highest among the groups gnomAD compares: East Asian, 0.029%; no homozygotes.

Submissions (4):

PreventionGenetics, part of Exact Sciences
Classification: Uncertain significance for TTN-related condition. Last evaluated: 2026-08-11. Review status: criteria provided, single submitter. Criteria: ACMG Guidelines, 2015. Collection method: clinical testing. Allele origin: germline.
Comment: The TTN c.74063G>A variant is predicted to result in the amino acid substitution p.Arg24688His. This variant has been reported in an individual with arrhythmogenic cardiomyopathy who also carried a likely pathogenic LMNA variant, which could explain the clinical features (Proband 3, Poloni et al. 2018. PubMed ID: 30453078). This variant is reported in 0.013% of alleles in individuals of African descent in gnomAD. At this time, the clinical significance of this variant is uncertain due to the absence of conclusive functional and genetic evidence.

Fulgent Genetics
Classification: Uncertain significance for Tibial muscular dystrophy; Myopathy, myofibrillar, 9, with early respiratory failure; Dilated cardiomyopathy 1G; Autosomal recessive limb-girdle muscular dystrophy type 2J; Early-onset myopathy with fatal cardiomyopathy; Hypertrophic cardiomyopathy 9. Last evaluated: 2021-11-08. Review status: criteria provided, single submitter. Criteria: ACMG Guidelines, 2015. Collection method: clinical testing. Allele origin: unknown.

Athena Diagnostics
Classification: Uncertain significance. Last evaluated: 2018-02-22. Review status: criteria provided, single submitter. Criteria: Athena Diagnostics Criteria. Collection method: clinical testing. Allele origin: germline.

Ambry Genetics
Classification: Uncertain significance for Cardiovascular phenotype. Last evaluated: 2017-04-20. Review status: criteria provided, single submitter. Criteria: Ambry Variant Classification Scheme 2023. Collection method: clinical testing. Allele origin: germline.
Comment: The p.R15623H variant (also known as c.46868G>A), located in coding exon 153 of the TTN gene, results from a G to A substitution at nucleotide position 46868. The arginine at codon 15623 is replaced by histidine, an amino acid with highly similar properties. This variant was reported (as NM_001267550.1:c.74063G>A p.Arg24688His) in one individual from an arrhythmogenic right ventricular cardiomyopathy (ARVC) cohort, who also had additional cardiac variants detected (Poloni G et al. Heart Rhythm, 2019 May;16:773-780). This amino acid position is highly conserved in available vertebrate species. In addition, the in silico prediction for this alteration is inconclusive. Since supporting evidence is limited at this time, the clinical significance of this alteration remains unclear.

Literature cited by the submitters: PubMed 30453078 (cited by Ambry Genetics).